The following is an entry in ClinVar:

NM_000257.4(MYH7):c.3542C>T (p.Ala1181Val)

Gene: MYH7 (myosin heavy chain 7; minus strand). Cytogenetic location: 14q11.2.
Variant type: single nucleotide variant.
Coding change: c.3542C>T on transcript NM_000257.4 (MANE Select); coding-DNA position 3542, C replaced by T.
Protein change: p.Ala1181Val; replaces alanine 1181 with valine.
Molecular consequence: missense variant.
Genome position (GRCh38, 1-based): chr14:23,420,029, G>A on the plus strand (C>T on the coding strand, the complement: MYH7 is on the minus strand). VCF-style: chr14-23420029-G-A. GRCh37 (hg19) VCF-style: chr14-23889238-G-A.
Other names: c.3542C>T, p.Ala1181Val (NM_001407004.1); short protein forms A1181V.
Identifiers: ClinVar variation 4114871 (VCV004114871.2).

ClinVar aggregate classification (germline): Uncertain significance. Review status: criteria provided, multiple submitters, no conflicts (2 of 4 stars). 2 submissions from 2 submitters: Uncertain significance (2). Last evaluated 2025-06-23.

Conditions:
Hypertrophic cardiomyopathy. Also called: HYPERTROPHIC MYOCARDIOPATHY. Identifiers: Orphanet 217569, MedGen C0007194, MeSH D002312, MONDO:0005045, HP:0001639.
Cardiovascular phenotype. Identifiers: MedGen CN230736.

gnomAD v4.1: 2 of 1,575,578 alleles (0.00013%); highest among the groups gnomAD compares: Non-Finnish European, 0.00017%; no homozygotes.

Submissions (2):

Ambry Genetics
Classification: Uncertain significance for Cardiovascular phenotype. Last evaluated: 2025-06-23. Review status: criteria provided, single submitter. Criteria: Ambry Variant Classification Scheme 2023. Collection method: clinical testing. Allele origin: germline.
Comment: The p.A1181V variant (also known as c.3542C>T), located in coding exon 25 of the MYH7 gene, results from a C to T substitution at nucleotide position 3542. The alanine at codon 1181 is replaced by valine, an amino acid with similar properties. This amino acid position is well conserved in available vertebrate species. In addition, the in silico prediction for this alteration is inconclusive. Based on the available evidence, the clinical significance of this variant remains unclear.

Labcorp Genetics (formerly Invitae), Labcorp
Classification: Uncertain significance for Hypertrophic cardiomyopathy. Last evaluated: 2025-04-11. Review status: criteria provided, single submitter. Criteria: Invitae Variant Classification Sherloc (09022015). Collection method: clinical testing. Allele origin: germline.
Comment: This sequence change replaces alanine, which is neutral and non-polar, with valine, which is neutral and non-polar, at codon 1181 of the MYH7 protein (p.Ala1181Val). This variant is present in population databases (no rsID available, gnomAD 0.002%). This variant has not been reported in the literature in individuals affected with MYH7-related conditions. Invitae Evidence Modeling of protein sequence and biophysical properties (such as structural, functional, and spatial information, amino acid conservation, physicochemical variation, residue mobility, and thermodynamic stability) indicates that this missense variant is expected to disrupt MYH7 protein function with a positive predictive value of 95%. In summary, the available evidence is currently insufficient to determine the role of this variant in disease. Therefore, it has been classified as a Variant of Uncertain Significance.